The following is an entry in ClinVar:

NC_000009.12:g.133266456T>C

Gene: ABO (ABO, alpha 1-3-N-acetylgalactosaminyltransferase and alpha 1-3-galactosyltransferase; minus strand). Cytogenetic location: 9q34.2.
Variant type: single nucleotide variant.
Genome position: GRCh38 VCF-style: chr9-133266456-T-C. GRCh37 (hg19) VCF-style: chr9-136141870-C-C.
Identifiers: ClinVar variation 1172913 (VCV001172913.1), dbSNP rs2519093, ClinGen allele CA200769120.

ClinVar aggregate classification (germline): association (0 of 4 stars; one submission).

Conditions:
ABO blood group system. Also called: ABO BLOOD GROUP SYSTEM, O PHENOTYPE; ABO BLOOD GROUP SYSTEM, A/B POLYMORPHISM; ABO BLOOD GROUP SYSTEM, A2 PHENOTYPE; ABO BLOOD GROUP SYSTEM, CIS-AB PHENOTYPE; ABO BLOOD GROUP SYSTEM, B(A) PHENOTYPE. Identifiers: MedGen C0000778, OMIM 616093, HP:0032224.

Allele frequency attached by ClinVar (database versions not stated): gnomAD 0.83233 and 0.83396; TOPMed 0.83715; 1000 Genomes Project 30x 0.85899.

Submission:

Blood Transfusion Service Zurich, Swiss Red Cross
Classification: association for ABO blood group system. Last evaluated: 2021-05-01. Review status: no assertion criteria provided. Collection method: research. Allele origin: inherited. Inheritance: Codominant. Affected: yes.
Comment: ABO blood group system, phenotype A1, diagnostic specificity for ABO*A1.01 and ABO*A1.02 blood group alleles (rs2519093 A allele, NG_006669.2:g.13759A)